The following is an entry in ClinVar:

ClinVar aggregate classification (germline): Conflicting classifications of pathogenicity. Review status: criteria provided, conflicting classifications (1 of 4 stars). 4 submissions from 4 submitters: Uncertain significance (2); Likely benign (2). Last evaluated 2025-12-30.

Conditions:
Kabuki syndrome. Also called: Kabuki make-up syndrome; NIIKAWA-KUROKI SYNDROME. Identifiers: Orphanet 2322, MedGen C0796004, MONDO:0016512.
Kabuki syndrome 1 (KABUK1). Also called: KMT2D-Related Kabuki Syndrome. Identifiers: Orphanet 2322, MedGen CN030661, MONDO:0007843, OMIM 147920.
Choanal atresia-athelia-hypothyroidism-delayed puberty-short stature syndrome (BCAHH). Also called: BRANCHIAL ARCH ABNORMALITIES, CHOANAL ATRESIA, ATHELIA, HEARING LOSS, AND HYPOTHYROIDISM SYNDROME. Identifiers: Orphanet 589856, MedGen C5680310, MONDO:0035651, OMIM 620186.
Inborn genetic diseases. Identifiers: MedGen C0950123, MeSH D030342.

Submissions (4):

Labcorp Genetics (formerly Invitae), Labcorp
Classification: Uncertain significance for Kabuki syndrome. Last evaluated: 2025-12-30. Review status: criteria provided, single submitter. Criteria: Invitae Variant Classification Sherloc (09022015). Collection method: clinical testing. Allele origin: germline.
Comment: This variant, c.2383_2409dup, results in the insertion of 9 amino acid(s) of the KMT2D protein (p.Pro795_Glu803dup), but otherwise preserves the integrity of the reading frame. This variant is present in population databases (rs752597307, gnomAD 0.01%). This variant has not been reported in the literature in individuals affected with KMT2D-related conditions. ClinVar contains an entry for this variant (Variation ID: 2075330). Experimental studies and prediction algorithms are not available or were not evaluated, and the functional significance of this variant is currently unknown. In summary, the available evidence is currently insufficient to determine the role of this variant in disease. Therefore, it has been classified as a Variant of Uncertain Significance.

Women's Health and Genetics/Laboratory Corporation of America, LabCorp
Classification: Uncertain significance. Last evaluated: 2025-10-22. Review status: criteria provided, single submitter. Criteria: LabCorp Variant Classification Summary - May 2015. Collection method: clinical testing. Allele origin: germline.
Comment: Variant summary: KMT2D c.2383_2409dup27 (p.Pro795_Glu803dup) results in an in-frame duplication that is predicted to duplicate 9 amino acids into the encoded protein. The variant allele was found at a frequency of 1.6e-05 in 186752 control chromosomes. The available data on variant occurrences in the general population are insufficient to allow any conclusion about variant significance. To our knowledge, no occurrence of c.2383_2409dup27 in individuals affected with KMT2D-related conditions and no experimental evidence demonstrating its impact on protein function have been reported. ClinVar contains an entry for this variant (Variation ID: 2075330). Based on the evidence outlined above, the variant was classified as uncertain significance.

Ambry Genetics
Classification: Likely benign for Inborn genetic diseases. Last evaluated: 2025-08-25. Review status: criteria provided, single submitter. Criteria: Ambry Variant Classification Scheme 2023. Collection method: clinical testing. Allele origin: germline.

Fulgent Genetics
Classification: Likely benign for Kabuki syndrome 1; Choanal atresia-athelia-hypothyroidism-delayed puberty-short stature syndrome. Last evaluated: 2024-05-14. Review status: criteria provided, single submitter. Criteria: ACMG Guidelines, 2015. Collection method: clinical testing. Allele origin: germline.

NM_003482.4(KMT2D):c.2383_2409dup (p.Glu803_Leu804insProHisLeuSerProGlnProGluGlu)

Gene: KMT2D (lysine methyltransferase 2D; minus strand). Cytogenetic location: 12q13.12.
Variant type: Duplication.
Coding change: c.2383_2409dup on transcript NM_003482.4 (MANE Select); coding-DNA positions 2383 to 2409, 27 bases duplicated (CCACATCTGTCCCCTCAGCCTGAGGAA).
Protein change: p.Glu803_Leu804insProHisLeuSerProGlnProGluGlu.
Molecular consequence: inframe insertion.
Genome position (GRCh38, 1-based): chr12:49,051,274-49,051,300, TTCCTCAGGCTGAGGGGACAGATGTGG duplicated on the plus strand (CCACATCTGTCCCCTCAGCCTGAGGAA on the coding strand, the reverse complement: KMT2D is on the minus strand); duplicating any 27 consecutive bases within chr12:49,051,274-49,051,301 gives the same sequence; the c. name uses the placement nearest the transcript's 3' end. VCF-style (leftmost placement, unchanged base first): chr12-49051273-A-ATTCCTCAGGCTGAGGGGACAGATGTGG. GRCh37 (hg19) VCF-style: chr12-49445056-A-ATTCCTCAGGCTGAGGGGACAGATGTGG.
Other names: c.2383_2409dupCCACATCTGTCCCCTCAGCCTGAGGAA (NM_003482.3); c.2383_2409dup27 (NM_003482.4).
Identifiers: ClinVar variation 2075330 (VCV002075330.7), dbSNP rs752597307, ClinGen allele CA6548262.